The following is an entry in ClinVar:

ClinVar aggregate classification (germline): Pathogenic (1 of 4 stars; one submission).

Conditions:
Sulfite oxidase deficiency due to molybdenum cofactor deficiency type C. Also called: Molybdenum cofactor deficiency, complementation group C; Molybdenum cofactor deficiency C. Identifiers: Orphanet 308400, Orphanet 833, MedGen C1854990, MONDO:0014212, OMIM 615501.

Submission:

Labcorp Genetics (formerly Invitae), Labcorp
Classification: Pathogenic for Sulfite oxidase deficiency due to molybdenum cofactor deficiency type C. Last evaluated: 2020-01-06. Review status: criteria provided, single submitter. Criteria: Invitae Variant Classification Sherloc (09022015). Collection method: clinical testing. Allele origin: germline.
Comment: For these reasons, this variant has been classified as Pathogenic. Loss-of-function variants in GPHN are known to be pathogenic (PMID: 11095995, 23184456, 23393157). This variant has not been reported in the literature in individuals with GPHN-related conditions. This variant is not present in population databases (ExAC no frequency). This sequence change creates a premature translational stop signal (p.Val387Alafs*30) in the GPHN gene. It is expected to result in an absent or disrupted protein product.

Literature cited by the submitters: PubMed 11095995; PubMed 23184456; PubMed 23393157.

NM_020806.5(GPHN):c.1156_1159dup (p.Val387fs)

Gene: GPHN (gephyrin; plus strand). Cytogenetic location: 14q23.3.
Variant type: Duplication.
Coding change: c.1156_1159dup on transcript NM_020806.5 (MANE Select); coding-DNA positions 1156 to 1159, 4 bases duplicated (CGAG; older notation c.1156_1159dupCGAG).
Protein change: p.Val387fs; shifts the reading frame from valine 387.
Molecular consequence: frameshift variant.
Genome position (GRCh38, 1-based): chr14:67,088,994-67,088,997, CGAG duplicated; duplicating any 4 consecutive bases within chr14:67,088,993-67,088,997 gives the same sequence; the c. name uses the placement nearest the transcript's 3' end. VCF-style (leftmost placement, unchanged base first): chr14-67088992-G-GGCGA. GRCh37 (hg19) VCF-style: chr14-67555709-G-GGCGA.
Other names: c.1057_1060dup, p.Val354fs (NM_001024218.2); c.1216_1219dup, p.Val407fs (NM_001377514.1); c.1186_1189dup, p.Val397fs (NM_001377515.1); c.1177_1180dup, p.Val394fs (NM_001377516.1); c.1129_1132dup, p.Val378fs (NM_001377517.1); c.1114_1117dup, p.Val373fs (NM_001377518.1); c.1096_1099dup, p.Val367fs (NM_001377519.1); short protein forms V354fs, V367fs, V373fs, V378fs, V387fs, V394fs, V397fs, V407fs.
Identifiers: ClinVar variation 1069066 (VCV001069066.7), dbSNP rs2153668269, ClinGen allele CA2499222667.